The following is an entry in ClinVar:

NM_144999.4(LRRC45):c.1165C>T (p.Gln389Ter)

Gene: LRRC45 (leucine rich repeat containing 45; plus strand). Cytogenetic location: 17q25.3.
Variant type: single nucleotide variant.
Coding change: c.1165C>T on transcript NM_144999.4 (MANE Select); coding-DNA position 1165, C replaced by T.
Protein change: p.Gln389Ter; replaces glutamine 389 with a stop codon.
Molecular consequence: nonsense.
Genome position (GRCh38, 1-based): chr17:82,028,436, C>T. VCF-style: chr17-82028436-C-T. GRCh37 (hg19) VCF-style: chr17-79986312-C-T.
Other names: short protein forms Q389*.
Identifiers: ClinVar variation 4981785 (VCV004981785.1).

ClinVar aggregate classification (germline): Uncertain significance (1 of 4 stars; one submission).

Conditions:
LRRC45-related disorder. Also called: LRRC45-related condition.

gnomAD v4.1: 91 of 1,612,636 alleles (0.0056%); highest among the groups gnomAD compares: Non-Finnish European, 0.0072%; no homozygotes.

Submission:

PreventionGenetics, part of Exact Sciences
Classification: Uncertain significance for LRRC45-related condition. Last evaluated: 2026-09-09. Review status: criteria provided, single submitter. Criteria: ACMG Guidelines, 2015. Collection method: clinical testing. Allele origin: germline.
Comment: The LRRC45 c.1165C>T variant is predicted to result in premature protein termination (p.Gln389*). To our knowledge, this variant has not been reported in the literature. This variant is reported in 0.013% of alleles in individuals of European (Non-Finnish) descent in gnomAD. At this time, the clinical significance of this variant is uncertain due to the absence of conclusive functional and genetic evidence.